The following is an entry in ClinVar:

NM_001048174.2(MUTYH):c.431A>G (p.Gln144Arg)

Gene: MUTYH (mutY DNA glycosylase; minus strand). Cytogenetic location: 1p34.1.
Variant type: single nucleotide variant.
Coding change: c.431A>G on transcript NM_001048174.2 (MANE Select); coding-DNA position 431, A replaced by G.
Protein change: p.Gln144Arg; replaces glutamine 144 with arginine.
Molecular consequence: missense variant. On other transcripts: non-coding transcript variant (7).
Genome position (GRCh38, 1-based): chr1:45,332,824, T>C on the plus strand (A>G on the coding strand, the complement: MUTYH is on the minus strand). VCF-style: chr1-45332824-T-C. GRCh37 (hg19) VCF-style: chr1-45798496-T-C.
Other names: c.431A>G, p.Gln144Arg (NM_001048171.2, NM_001407070.1, NM_001407072.1 and 6 more transcripts); c.86A>G, p.Gln29Arg (NM_001350650.2, NM_001350651.2, NM_001407082.1); c.464A>G, p.Gln155Arg (NM_001407069.1, NM_001407077.1, NM_001293191.2); c.434A>G, p.Gln145Arg (NM_001407071.1, NM_001048172.2, NM_001407078.1 and 1 more transcripts); c.347A>G, p.Gln116Arg (NM_001407075.1); c.155A>G, p.Gln52Arg (NM_001407091.1, NM_001293192.2, NM_001293196.2); c.506A>G, p.Gln169Arg (NM_012222.3); c.515A>G, p.Gln172Arg (NM_001128425.2); and 5 more; short protein forms Q116R, Q151R, Q159R, Q29R, Q130R, Q144R, Q145R, Q169R.
Identifiers: ClinVar variation 4113709 (VCV004113709.1).
Genomic context (GRCh38, chr1:45,332,824, plus strand): 5'-TTCCGAGCTCCCTCCTGCAGCCGCCGGCCACGAGAATAGTAGCCCAGGCCAGCCCAGAGT[T>C]GATTCACCTCCTGTGGGTAGGATCAGAGGTCAAAGAGATCACCCGTCAGTCCCTCTATTG-3'
Protein context (NP_001041639.1, residues 134-154): LASASLEEVN[Gln144Arg]LWAGLGYYSR

ClinVar aggregate classification (germline): Uncertain significance (1 of 4 stars; one submission).

Conditions:
Hereditary cancer-predisposing syndrome. Also called: Hereditary neoplastic syndrome; Neoplastic Syndromes, Hereditary; Tumor predisposition; Hereditary Cancer Syndrome. Identifiers: Orphanet 140162, MedGen C0027672, MeSH D009386, MONDO:0015356.

Submission:

Ambry Genetics
Classification: Uncertain significance for Hereditary cancer-predisposing syndrome. Last evaluated: 2025-08-27. Review status: criteria provided, single submitter. Criteria: Ambry Variant Classification Scheme 2023. Collection method: clinical testing. Allele origin: germline.
Comment: The p.Q172R variant (also known as c.515A>G), located in coding exon 7 of the MUTYH gene, results from an A to G substitution at nucleotide position 515. The glutamine at codon 172 is replaced by arginine, an amino acid with highly similar properties. This amino acid position is conserved. In addition, the in silico prediction for this alteration is inconclusive. Based on the available evidence, the clinical significance of this variant remains unclear.